The following is an entry in ClinVar:

ClinVar aggregate classification (germline): Likely pathogenic (1 of 4 stars; one submission).

Conditions:
Infantile liver failure syndrome 3. Identifiers: MedGen C5231437, MONDO:0032844, OMIM 618641.

Submission:

First Genomix Gene Laboratory, Genetic Diagnostics Department
Classification: Likely pathogenic for Infantile liver failure syndrome 3. Last evaluated: 2025-08-01. Review status: criteria provided, single submitter. Criteria: ACMG Guidelines, 2015. Collection method: clinical testing. Allele origin: germline. Inheritance: Autosomal recessive inheritance. Affected: no. Observed: 1 variant allele.

NM_021930.6(RINT1):c.144dup (p.Asn49Ter)

Gene: RINT1 (RAD50 interactor 1; plus strand). Cytogenetic location: 7q22.3.
Variant type: Duplication.
Coding change: c.144dup on transcript NM_021930.6 (MANE Select); coding-DNA position 144, one base duplicated (T; older notation c.144dupT).
Protein change: p.Asn49Ter; replaces asparagine 49 with a stop codon.
Molecular consequence: nonsense. On other transcripts: 5 prime UTR variant (3), non-coding transcript variant (1), intron variant (1).
Genome position (GRCh38, 1-based): chr7:105,536,620, T duplicated. VCF-style (leftmost placement, unchanged base first): chr7-105536619-A-AT. GRCh37 (hg19) VCF-style: chr7-105177066-A-AT.
Other names: c.-876dup (NM_001346600.2); c.-779dup (NM_001346601.2); c.-399dup (NM_001346603.2); c.39+8dup (NM_001346599.2); c.144dupT (NM_021930.6); short protein forms N49*.
Identifiers: ClinVar variation 4850571 (VCV004850571.1).